The following is an entry in ClinVar:

ClinVar aggregate classification (germline): Pathogenic. Review status: criteria provided, single submitter (1 of 4 stars). 2 submissions from 2 submitters: Pathogenic (1). 1 of the submissions does not count toward it. Last evaluated 2024-12-18.

Conditions:
Thrombophilia due to thrombin defect (THPH1). Also called: Prothrombin Thrombophilia; Thrombosis susceptibility; THROMBOPHILIA DUE TO FACTOR 2 DEFECT; Prothrombin-Related Thrombophilia (Factor II). Identifiers: MedGen C3160733, MONDO:0008559, OMIM 188050. Disease mechanism: gain of function, loss of function.
Congenital prothrombin deficiency. Also called: HYPOPROTHROMBINEMIA; Inherited hypoprothrombinemia; Congenital factor II deficiency; Inherited prothrombin deficiency; Factor II deficiency; Hereditary factor II deficiency disease. Identifiers: Orphanet 325, MedGen C0272317, MONDO:0013361, OMIM 613679.

Allele frequency attached by ClinVar (database versions not stated): gnomAD exomes below 0.00001; ExAC 0.00001.

Submissions (2):

Women's Health and Genetics/Laboratory Corporation of America, LabCorp
Classification: Pathogenic for Thrombophilia due to thrombin defect. Last evaluated: 2024-12-18. Review status: criteria provided, single submitter. Criteria: LabCorp Variant Classification Summary - May 2015. Collection method: clinical testing. Allele origin: germline.
Comment: Variant summary: F2 c.940C>T (p.Arg314Cys) (also known as Arg271Cys) results in a non-conservative amino acid change in the encoded protein sequence. Five of five in-silico tools predict a damaging effect of the variant on protein function. The variant allele was found at a frequency of 4e-06 in 251116 control chromosomes. c.940C>T has been reported in the literature in multiple individuals affected with Thrombophilia Due To Thrombin Defect, either at a homozygous or a heterozygous state (example, Miyata_1995). These data indicate that the variant is very likely to be associated with disease. To our knowledge, no experimental evidence demonstrating an impact on protein function has been reported. The following publications have been ascertained in the context of this evaluation (PMID: 7647010, 3771562). ClinVar contains an entry for this variant (Variation ID: 13303). Based on the evidence outlined above, the variant was classified as pathogenic.

OMIM
Classification: Pathogenic for DYSPROTHROMBINEMIA. Last evaluated: 1986-11-15. Review status: no assertion criteria provided. Collection method: literature only. Allele origin: germline. Not counted in ClinVar's aggregate classification.

Literature cited by the submitters: PubMed 7647010 (cited by Women's Health and Genetics/Laboratory Corporation of America, LabCorp); PubMed 3771562 (cited by Women's Health and Genetics/Laboratory Corporation of America, LabCorp and OMIM); PubMed 444582 (cited by OMIM).

NM_000506.3(F2):c.940C>T (p.Arg314Cys)

Gene: F2 (coagulation factor II, thrombin; plus strand). Cytogenetic location: 11p11.2.
Variant type: single nucleotide variant.
Coding change: c.940C>T on transcript NM_000506.3; coding-DNA position 940, C replaced by T.
Protein change: p.Arg314Cys; replaces arginine 314 with cysteine.
Molecular consequence: missense variant (on NM_000506.5).
Genome position (GRCh38, 1-based): chr11:46,726,563, C>T. VCF-style: chr11-46726563-C-T. GRCh37 (hg19) VCF-style: chr11-46748113-C-T.
Other names: F2, ARG271CYS; R271C; c.940C>T, p.Arg314Cys (NM_000506.5); short protein forms R314C.
Identifiers: ClinVar variation 13303 (VCV000013303.3), dbSNP rs121918477, ClinGen allele CA123003.
Genomic context (GRCh38, chr11:46,726,563, plus strand): 5'-GCCGTGGAGGAGGAGACAGGAGATGGGCTGGATGAGGACTCAGACAGGGCCATCGAAGGG[C>T]GTACCGCCACCAGTGAGTACCAGACTTTCTTCAATCCGAGGACCTTTGGCTCGGGAGAGG-3'
Protein context (NP_000497.1, residues 304-324): DEDSDRAIEG[Arg314Cys]TATSEYQTFF